The following is an entry in ClinVar:

ClinVar aggregate classification (germline): Uncertain significance. Review status: criteria provided, multiple submitters, no conflicts (2 of 4 stars). 2 submissions from 2 submitters: Uncertain significance (2). Last evaluated 2024-12-25.

Allele frequency attached by ClinVar (database versions not stated): ExAC 0.00002; gnomAD exomes 0.00003; gnomAD 0.00009; TOPMed 0.00011.
gnomAD v4.1: 56 of 1,614,018 alleles (0.0035%); highest among the groups gnomAD compares: South Asian, 0.011%; no homozygotes.

Submissions (2):

Ambry Genetics
Classification: Uncertain significance. Last evaluated: 2024-12-25. Review status: criteria provided, single submitter. Criteria: Ambry Variant Classification Scheme 2023. Collection method: clinical testing. Allele origin: germline.

Labcorp Genetics (formerly Invitae), Labcorp
Classification: Uncertain significance. Last evaluated: 2022-09-07. Review status: criteria provided, single submitter. Criteria: Invitae Variant Classification Sherloc (09022015). Collection method: clinical testing. Allele origin: germline.
Comment: In summary, the available evidence is currently insufficient to determine the role of this variant in disease. Therefore, it has been classified as a Variant of Uncertain Significance. Algorithms developed to predict the effect of missense changes on protein structure and function are either unavailable or do not agree on the potential impact of this missense change (SIFT: "Not Available"; PolyPhen-2: "Possibly Damaging"; Align-GVGD: "Not Available"). This variant has not been reported in the literature in individuals affected with PNLIP-related conditions. This variant is present in population databases (rs776000006, gnomAD 0.02%). This sequence change replaces valine, which is neutral and non-polar, with methionine, which is neutral and non-polar, at codon 238 of the PNLIP protein (p.Val238Met).

NM_000936.4(PNLIP):c.712G>A (p.Val238Met)

Gene: PNLIP (pancreatic lipase; plus strand). Cytogenetic location: 10q25.3.
Variant type: single nucleotide variant.
Coding change: c.712G>A on transcript NM_000936.4 (MANE Select); coding-DNA position 712, G replaced by A.
Protein change: p.Val238Met; replaces valine 238 with methionine.
Molecular consequence: missense variant.
Genome position (GRCh38, 1-based): chr10:116,555,408, G>A. VCF-style: chr10-116555408-G-A. GRCh37 (hg19) VCF-style: chr10-118314920-G-A.
Other names: c.712G>A (NM_000936.2); short protein forms V238M.
Identifiers: ClinVar variation 1970774 (VCV001970774.4), dbSNP rs776000006, ClinGen allele CA5706586.
Genomic context (GRCh38, chr10:116,555,408, plus strand): 5'-ATACATTAGCATAAACCCTCATGTATTTTTATGATTTCAGGGTTTGGAATGAGCCAAGTC[G>A]TGGGCCACCTAGATTTCTTTCCAAATGGAGGAGTGGAAATGCCTGGATGTAAAAAGAACA-3'
Protein context (NP_000927.1, residues 228-248): PNLGFGMSQV[Val238Met]GHLDFFPNGG